The following is an entry in ClinVar:

NM_004380.3(CREBBP):c.6375_6392dup (p.Met2133_His2134insGlnProGlnProGlyMet)

Gene: CREBBP (CREB binding protein; minus strand). Cytogenetic location: 16p13.3.
Variant type: Duplication.
Coding change: c.6375_6392dup on transcript NM_004380.3 (MANE Select); coding-DNA positions 6375 to 6392, 18 bases duplicated (CGGCATGCAACCCCAGCC).
Protein change: p.Met2133_His2134insGlnProGlnProGlyMet.
Molecular consequence: inframe insertion.
Genome position (GRCh38, 1-based): chr16:3,728,655-3,728,672, GGCTGGGGTTGCATGCCG duplicated on the plus strand (CGGCATGCAACCCCAGCC on the coding strand, the reverse complement: CREBBP is on the minus strand); duplicating any 18 consecutive bases within chr16:3,728,655-3,728,679 gives the same sequence; the c. name uses the placement nearest the transcript's 3' end. VCF-style (leftmost placement, unchanged base first): chr16-3728654-A-AGGCTGGGGTTGCATGCCG. GRCh37 (hg19) VCF-style: chr16-3778655-A-AGGCTGGGGTTGCATGCCG.
Other names: c.6261_6278dup, p.Met2095_His2096insGlnProGlnProGlyMet (NM_001079846.1).
Identifiers: ClinVar variation 2506656 (VCV002506656.1), dbSNP rs2548345750, ClinGen allele CA2580612710.

ClinVar aggregate classification (germline): Uncertain significance (1 of 4 stars; one submission).

Submission:

GeneDx
Classification: Uncertain significance. Last evaluated: 2022-12-20. Review status: criteria provided, single submitter. Criteria: GeneDx Variant Classification Process June 2021. Collection method: clinical testing. Allele origin: germline. Affected: yes.
Comment: Not observed at significant frequency in large population cohorts (gnomAD); In-frame duplication of 6 amino acids in a non-repeat region; Has not been previously published as pathogenic or benign to our knowledge; This variant is associated with the following publications: (PMID: 8616895)